The following is an entry in ClinVar:

NM_000179.3(MSH6):c.3556+3_3556+13del

Gene: MSH6 (mutS homolog 6; plus strand). Cytogenetic location: 2p16.3.
Variant type: Deletion.
Coding change: c.3556+3_3556+13del on transcript NM_000179.3 (MANE Select); bases 3 to 13 of the intron after coding-DNA position 3556, 11 bases deleted (GAGTTTTTTGT).
Molecular consequence: splice donor variant.
Genome position (GRCh38, 1-based): chr2:47,805,030-47,805,040, GAGTTTTTTGT deleted; deleting any 11 consecutive bases within chr2:47,805,028-47,805,040 gives the same sequence; the c. name uses the placement nearest the transcript's 3' end. VCF-style (leftmost placement, unchanged base first): chr2-47805027-GGTGAGTTTTTT-G. GRCh37 (hg19) VCF-style: chr2-48032166-GGTGAGTTTTTT-G.
Other names: c.2650+3_2650+13del (NM_001281493.2, NM_001281494.2); c.3166+3_3166+13del (NM_001281492.2); c.3556+3_3556+13del11 (NM_000179.2).
Identifiers: ClinVar variation 89412 (VCV000089412.13), dbSNP rs587779269, ClinGen allele CA330535.

ClinVar aggregate classification (germline): Pathogenic/Likely pathogenic. Review status: criteria provided, multiple submitters, no conflicts (2 of 4 stars). 3 submissions from 3 submitters: Pathogenic (2); Likely pathogenic (1). Last evaluated 2025-02-16.

Conditions:
Hereditary cancer-predisposing syndrome. Also called: Tumor predisposition; Hereditary Cancer Syndrome; Hereditary neoplastic syndrome; Neoplastic Syndromes, Hereditary. Identifiers: Orphanet 140162, MedGen C0027672, MeSH D009386, MONDO:0015356.
Hereditary nonpolyposis colorectal neoplasms. Identifiers: MedGen C0009405, MeSH D003123.

Submissions (3):

Laboratory of Genetics, Children's Clinical University Hospital Latvia
Classification: Pathogenic. Last evaluated: 2025-02-16. Review status: criteria provided, single submitter. Criteria: ACMG Guidelines, 2015. Collection method: clinical testing. Allele origin: germline. Affected: yes.

Labcorp Genetics (formerly Invitae), Labcorp
Classification: Pathogenic for Hereditary nonpolyposis colorectal neoplasms. Last evaluated: 2024-02-23. Review status: criteria provided, single submitter. Criteria: Invitae Variant Classification Sherloc (09022015). Collection method: clinical testing. Allele origin: germline.
Comment: This sequence change falls in intron 6 of the MSH6 gene. It does not directly change the encoded amino acid sequence of the MSH6 protein. RNA analysis indicates that this variant induces altered splicing and may result in an absent or disrupted protein product. This variant is not present in population databases (gnomAD no frequency). This variant has been observed in individuals with Lynch syndrome-related cancers (PMID: 20487569, 31332305; Invitae). ClinVar contains an entry for this variant (Variation ID: 89412). Variants that disrupt the consensus splice site are a relatively common cause of aberrant splicing (PMID: 17576681, 9536098). Studies have shown that this variant results in skipping of exon 6 and introduces a premature termination codon (PMID: 27064304, 31332305). The resulting mRNA is expected to undergo nonsense-mediated decay. For these reasons, this variant has been classified as Pathogenic.

Ambry Genetics
Classification: Likely pathogenic for Hereditary cancer-predisposing syndrome. Last evaluated: 2019-08-28. Review status: criteria provided, single submitter. Criteria: Ambry Variant Classification Scheme 2023. Collection method: clinical testing. Allele origin: germline.
Comment: The c.3556+3_3556+13del11 intronic variant, located in intron 6 of the MSH6 gene, results from a deletion of 11 nucleotides within intron 6 of the MSH6 gene. This alteration was reported in the germline of two patients with endometrial cancer that demonstrated isolated absence of MSH6 staining on immunohistochemistry (Ambry internal data; Talseth-Palmer BA et al. Hered Cancer Clin Pract, 2010 May;8:5). In addition, subsequent RNA analysis by RT-PCR using transformed lymphocytes showed skipping of exon 6 (Sjursen W et al. Mol Genet Genomic Med, 2016 Mar;4:223-31). This variant was not reported in population-based cohorts in the Genome Aggregation Database (gnomAD). These nucleotide positions are generally well conserved in available vertebrate species. Using the BDGP and ESEfinder splice site prediction tools, this alteration is predicted to abolish the native splice donor site. Based on the majority of available evidence to date, this variant is likely to be pathogenic.

Literature cited by the submitters: PubMed 20487569 (cited by Labcorp Genetics (formerly Invitae), Labcorp and Ambry Genetics); PubMed 31332305 (cited by Labcorp Genetics (formerly Invitae), Labcorp); PubMed 17576681 (cited by Labcorp Genetics (formerly Invitae), Labcorp); PubMed 9536098 (cited by Labcorp Genetics (formerly Invitae), Labcorp); PubMed 27064304 (cited by Labcorp Genetics (formerly Invitae), Labcorp and Ambry Genetics).